The following is an entry in ClinVar:

NM_001081.4(CUBN):c.3386C>T (p.Pro1129Leu)

Gene: CUBN (cubilin; minus strand). Cytogenetic location: 10p13.
Variant type: single nucleotide variant.
Coding change: c.3386C>T on transcript NM_001081.4 (MANE Select); coding-DNA position 3386, C replaced by T.
Protein change: p.Pro1129Leu; replaces proline 1129 with leucine.
Molecular consequence: missense variant.
Genome position (GRCh38, 1-based): chr10:17,046,038, G>A on the plus strand (C>T on the coding strand, the complement: CUBN is on the minus strand). VCF-style: chr10-17046038-G-A. GRCh37 (hg19) VCF-style: chr10-17088037-G-A.
Other names: short protein forms P1129L.
Identifiers: ClinVar variation 4538314 (VCV004538314.1).
Genomic context (GRCh38, chr10:17,046,038, plus strand): 5'-TCTATTTGGTCACTCTTAAATTTTAACCATAGTTTGTTACTATGAGAGATGATTGTTGGG[G>A]GTAGATTTGAGCCATAGAATATTCCCAGCAATGGTGATTTTTCATAGCCTCCATCTCTGG-3'
Protein context (NP_001072.2, residues 1119-1139): LLGIFYGSNL[Pro1129Leu]PTIISHSNKL

ClinVar aggregate classification (germline): Uncertain significance (1 of 4 stars; one submission).

Submission:

Greenwood Genetic Center Diagnostic Laboratories, Greenwood Genetic Center
Classification: Uncertain significance. Last evaluated: 2025-06-16. Review status: criteria provided, single submitter. Criteria: ACMG Guidelines, 2015. Collection method: clinical testing. Allele origin: germline. Affected: yes.
Comment: PM2